The following is an entry in ClinVar:

NM_181712.5(KANK4):c.1234G>A (p.Val412Met)

Gene: KANK4 (KN motif and ankyrin repeat domains 4; minus strand). Cytogenetic location: 1p31.3.
Variant type: single nucleotide variant.
Coding change: c.1234G>A on transcript NM_181712.5 (MANE Select); coding-DNA position 1234, G replaced by A.
Protein change: p.Val412Met; replaces valine 412 with methionine.
Molecular consequence: missense variant. On other transcripts: intron variant (1).
Genome position (GRCh38, 1-based): chr1:62,273,870, C>T on the plus strand (G>A on the coding strand, the complement: KANK4 is on the minus strand). VCF-style: chr1-62273870-C-T. GRCh37 (hg19) VCF-style: chr1-62739542-C-T.
Other names: c.17-2281G>A (NM_001320269.2); short protein forms V412M.
Identifiers: ClinVar variation 734876 (VCV000734876.10), dbSNP rs150098757, ClinGen allele CA884418.
Genomic context (GRCh38, chr1:62,273,870, plus strand): 5'-TGCCCTTATCACACGACTCCCTGGTCAAGAGTCCATGGACAGGGTCAGTGTTCACCATCA[C>T]GTCCGTCTGGCCCTGAGTGTCTTTGGCGTTCTCTTGGTGAAACTGTCCTTCCAGTTGGGC-3'
Protein context (NP_859063.3, residues 402-422): NAKDTQGQTD[Val412Met]MVNTDPVHGL

ClinVar aggregate classification (germline): Likely benign. Review status: criteria provided, multiple submitters, no conflicts (2 of 4 stars). 3 submissions from 3 submitters: Likely benign (3). Last evaluated 2025-11-13.

Conditions:
KANK4-related disorder. Also called: KANK4-related condition.

Allele frequency attached by ClinVar (database versions not stated): ExAC 0.00041; 1000 Genomes Project 0.00100; 1000 Genomes Project 30x 0.00109; gnomAD 0.00150; TOPMed 0.00171; ESP Exome Variant Server 0.00192.
gnomAD v4.1: 546 of 1,614,194 alleles (0.034%); highest among the groups gnomAD compares: African/African-American, 0.49%; 1 homozygote.

Submissions (3):

Ambry Genetics
Classification: Likely benign. Last evaluated: 2025-11-13. Review status: criteria provided, single submitter. Criteria: Ambry Variant Classification Scheme 2023. Collection method: clinical testing. Allele origin: germline.

Labcorp Genetics (formerly Invitae), Labcorp
Classification: Likely benign. Last evaluated: 2025-06-12. Review status: criteria provided, single submitter. Criteria: Invitae Variant Classification Sherloc (09022015). Collection method: clinical testing. Allele origin: germline.

PreventionGenetics, part of Exact Sciences
Classification: Likely benign for KANK4-related condition. Last evaluated: 2025-03-28. Review status: criteria provided, single submitter. Criteria: ACMG Guidelines, 2015. Collection method: clinical testing. Allele origin: germline.
Comment: This variant is classified as likely benign based on ACMG/AMP sequence variant interpretation guidelines (Richards et al. 2015 PMID: 25741868, with internal and published modifications).